The following is an entry in ClinVar:

NM_006545.5(NPRL2):c.214G>A (p.Glu72Lys)

Gene: NPRL2 (NPR2 like, GATOR1 complex subunit; minus strand). Cytogenetic location: 3p21.31.
Variant type: single nucleotide variant.
Coding change: c.214G>A on transcript NM_006545.5 (MANE Select); coding-DNA position 214, G replaced by A.
Protein change: p.Glu72Lys; replaces glutamic acid 72 with lysine.
Molecular consequence: missense variant.
Genome position (GRCh38, 1-based): chr3:50,349,790, C>T on the plus strand (G>A on the coding strand, the complement: NPRL2 is on the minus strand). VCF-style: chr3-50349790-C-T. GRCh37 (hg19) VCF-style: chr3-50387221-C-T.
Other names: short protein forms E72K.
Identifiers: ClinVar variation 3029320 (VCV003029320.4), dbSNP rs1703691579, ClinGen allele CA352951861.

ClinVar aggregate classification (germline): Uncertain significance. Review status: criteria provided, multiple submitters, no conflicts (2 of 4 stars). 2 submissions from 2 submitters: Uncertain significance (2). Last evaluated 2026-09-16.

Conditions:
NPRL2-related disorder. Also called: NPRL2-related condition.
Inborn genetic diseases. Identifiers: MedGen C0950123, MeSH D030342.

Allele frequency attached by ClinVar (database versions not stated): gnomAD 0.00001; TOPMed 0.00002.
gnomAD v4.1: 2 of 1,613,710 alleles (0.00012%); highest among the groups gnomAD compares: Non-Finnish European, 0.00017%; no homozygotes.

Submissions (2):

PreventionGenetics, part of Exact Sciences
Classification: Uncertain significance for NPRL2-related condition. Last evaluated: 2026-09-16. Review status: criteria provided, single submitter. Criteria: ACMG Guidelines, 2015. Collection method: clinical testing. Allele origin: germline.
Comment: The NPRL2 c.214G>A variant is predicted to result in the amino acid substitution p.Glu72Lys. To our knowledge, this variant has not been reported in the literature or in a large population database (gnomAD), indicating this variant is rare. At this time, the clinical significance of this variant is uncertain due to the absence of conclusive functional and genetic evidence.

Ambry Genetics
Classification: Uncertain significance for Inborn genetic diseases. Last evaluated: 2024-02-27. Review status: criteria provided, single submitter. Criteria: Ambry Variant Classification Scheme 2023. Collection method: clinical testing. Allele origin: germline.